The following is an entry in ClinVar:

ClinVar aggregate classification (germline): Uncertain significance (1 of 4 stars; one submission).

Submission:

GeneDx
Classification: Uncertain significance. Last evaluated: 2023-06-07. Review status: criteria provided, single submitter. Criteria: GeneDx Variant Classification Process June 2021. Collection method: clinical testing. Allele origin: germline. Affected: yes.
Comment: Not observed at significant frequency in large population cohorts (gnomAD); In silico analysis supports that this missense variant has a deleterious effect on protein structure/function; Has not been previously published as pathogenic or benign to our knowledge

NM_015338.6(ASXL1):c.3010G>T (p.Asp1004Tyr)

Gene: ASXL1 (ASXL transcriptional regulator 1; plus strand). Cytogenetic location: 20q11.21.
Variant type: single nucleotide variant.
Coding change: c.3010G>T on transcript NM_015338.6 (MANE Select); coding-DNA position 3010, G replaced by T.
Protein change: p.Asp1004Tyr; replaces aspartic acid 1004 with tyrosine.
Molecular consequence: missense variant.
Genome position (GRCh38, 1-based): chr20:32,435,722, G>T. VCF-style: chr20-32435722-G-T. GRCh37 (hg19) VCF-style: chr20-31023525-G-T.
Other names: c.2827G>T, p.Asp943Tyr (NM_001363734.1); short protein forms D1004Y, D943Y.
Identifiers: ClinVar variation 3359486 (VCV003359486.1).
Genomic context (GRCh38, chr20:32,435,722, plus strand): 5'-AAAATCAACGGAGACTCTGAAGCACTGAGTCCTCACGGTGAGTCCACGGATACAGCCTCT[G>T]ACTTTGAAGGTCACCTCACGGAGGACAGCAGTGAGGCTGACACTAGAGAAGCTGCAGTGA-3'
Protein context (NP_056153.2, residues 994-1014): PHGESTDTAS[Asp1004Tyr]FEGHLTEDSS